The following is an entry in ClinVar:

NM_001267550.2(TTN):c.75193_75194delinsAC (p.His25065Thr)

Genes: TTN (titin; minus strand), TTN-AS1 (TTN antisense RNA 1; plus strand). Cytogenetic location: 2q31.2.
Variant type: Indel.
Coding change: c.75193_75194delinsAC on transcript NM_001267550.2 (MANE Select); coding-DNA positions 75193 to 75194, CA replaced by AC.
Protein change: p.His25065Thr; replaces histidine 25065 with threonine.
Molecular consequence: missense variant.
Genome position (GRCh38, 1-based): chr2:178,570,938-178,570,939, TG replaced by GT on the plus strand (CA replaced by AC on the coding strand, the reverse complement: TTN is on the minus strand). VCF-style: chr2-178570938-TG-GT. GRCh37 (hg19) VCF-style: chr2-179435665-TG-GT.
Other names: c.48574_48575delinsAC, p.His16192Thr (NM_133437.4); c.70270_70271delinsAC, p.His23424Thr (NM_001256850.1); c.47998_47999delinsAC, p.His16000Thr (NM_003319.4); c.67489_67490delinsAC, p.His22497Thr (NM_133378.4); c.48373_48374delinsAC, p.His16125Thr (NM_133432.3); short protein forms H16000T, H16125T, H16192T, H22497T, H23424T, H25065T.
Identifiers: ClinVar variation 1315261 (VCV001315261.2), dbSNP rs2154168938, ClinGen allele CA2573051776.

ClinVar aggregate classification (germline): Uncertain significance (1 of 4 stars; one submission).

Submission:

GeneDx
Classification: Uncertain significance. Last evaluated: 2020-02-05. Review status: criteria provided, single submitter. Criteria: GeneDx Variant Classification Process June 2021. Collection method: clinical testing. Allele origin: germline. Affected: yes.
Comment: Not observed at a significant frequency in large population cohorts (Lek et al., 2016); Missense variant in a gene in which most reported pathogenic variants are truncating/loss-of-function; Has not been previously published as pathogenic or benign to our knowledge